The following is an entry in ClinVar:

NM_002834.5(PTPN11):c.1512G>T (p.Met504Ile)

Gene: PTPN11 (protein tyrosine phosphatase non-receptor type 11; plus strand). Cytogenetic location: 12q24.13.
Variant type: single nucleotide variant.
Coding change: c.1512G>T on transcript NM_002834.5 (MANE Select); coding-DNA position 1512, G replaced by T.
Protein change: p.Met504Ile; replaces methionine 504 with isoleucine.
Molecular consequence: missense variant.
Genome position (GRCh38, 1-based): chr12:112,489,088, G>T. VCF-style: chr12-112489088-G-T. GRCh37 (hg19) VCF-style: chr12-112926892-G-T.
Other names: c.1524G>T, p.Met508Ile (NM_001330437.2); c.1509G>T, p.Met503Ile (NM_001374625.1); short protein forms M503I, M504I, M508I.
Identifiers: ClinVar variation 4808314 (VCV004808314.1).
Genomic context (GRCh38, chr12:112,489,088, plus strand): 5'-TGACTGCGATATTGACGTTCCCAAAACCATCCAGATGGTGCGGTCTCAGAGGTCAGGGAT[G>T]GTCCAGACAGAAGCACAGTACCGATTTATCTATATGGCGGTCCAGCATTATATTGAAACA-3'
Protein context (NP_002825.3, residues 494-514): IQMVRSQRSG[Met504Ile]VQTEAQYRFI

ClinVar aggregate classification (germline): Uncertain significance (1 of 4 stars; one submission).

Conditions:
RASopathy. Also called: rasopathies; Noonan spectrum disorder. Identifiers: Orphanet 536391, MedGen C5555857, MONDO:0021060.

Submission:

Labcorp Genetics (formerly Invitae), Labcorp
Classification: Uncertain significance for RASopathy. Last evaluated: 2025-03-26. Review status: criteria provided, single submitter. Criteria: Invitae Variant Classification Sherloc (09022015). Collection method: clinical testing. Allele origin: germline.
Comment: This sequence change replaces methionine, which is neutral and non-polar, with isoleucine, which is neutral and non-polar, at codon 504 of the PTPN11 protein (p.Met504Ile). This variant is not present in population databases (gnomAD no frequency). This variant has not been reported in the literature in individuals affected with PTPN11-related conditions. Invitae Evidence Modeling of protein sequence and biophysical properties (such as structural, functional, and spatial information, amino acid conservation, physicochemical variation, residue mobility, and thermodynamic stability) has been performed for this missense variant. However, the output from this modeling did not meet the statistical confidence thresholds required to predict the impact of this variant on PTPN11 protein function. This variant disrupts the p.Met504 amino acid residue in PTPN11. Other variant(s) that disrupt this residue have been determined to be pathogenic (PMID: 11704759, 11992261, 15834506, 17339163, 19077116, 21407260, 24150203). This suggests that this residue is clinically significant, and that variants that disrupt this residue are likely to be disease-causing. In summary, the available evidence is currently insufficient to determine the role of this variant in disease. Therefore, it has been classified as a Variant of Uncertain Significance.

Literature cited by the submitters: PubMed 11704759; PubMed 11992261; PubMed 15834506; PubMed 17339163; PubMed 19077116; PubMed 21407260; PubMed 24150203.